The following is an entry in ClinVar:

NM_005560.6(LAMA5):c.864T>C (p.Tyr288=)

Gene: LAMA5 (laminin subunit alpha 5; minus strand). Cytogenetic location: 20q13.33.
Variant type: single nucleotide variant.
Coding change: c.864T>C on transcript NM_005560.6 (MANE Select); coding-DNA position 864, T replaced by C.
Protein change: p.Tyr288=; no amino-acid change (tyrosine 288 retained).
Molecular consequence: synonymous variant.
Genome position (GRCh38, 1-based): chr20:62,351,796, A>G on the plus strand (T>C on the coding strand, the complement: LAMA5 is on the minus strand). VCF-style: chr20-62351796-A-G. GRCh37 (hg19) VCF-style: chr20-60926852-A-G.
Identifiers: ClinVar variation 1977213 (VCV001977213.5), dbSNP rs537318102, ClinGen allele CA9944239.
Genomic context (GRCh38, chr20:62,351,796, plus strand): 5'-GGCATCCGCGTGGCCGTGGCAGACACAGCGGCCTCCGATGCTGATATCCTTGATGCTGTA[A>G]TAATACTGCACCCGCAGGCCCCGTGAGCACCAGGCGGCCAGGCCTCACTCACCCTGAGTC-3'
Protein context (NP_005551.3, residues 278-298): LRDPTVTRRY[Tyr288=]YSIKDISIGG

ClinVar aggregate classification (germline): Uncertain significance (1 of 4 stars; one submission).

Allele frequency attached by ClinVar (database versions not stated): gnomAD exomes below 0.00001; ExAC 0.00001; gnomAD 0.00001; 1000 Genomes Project 0.00020; 1000 Genomes Project 30x 0.00031.

Submission:

Labcorp Genetics (formerly Invitae), Labcorp
Classification: Uncertain significance. Last evaluated: 2022-08-12. Review status: criteria provided, single submitter. Criteria: Invitae Variant Classification Sherloc (09022015). Collection method: clinical testing. Allele origin: germline.
Comment: This sequence change affects codon 288 of the LAMA5 mRNA. It is a 'silent' change, meaning that it does not change the encoded amino acid sequence of the LAMA5 protein. This variant is present in population databases (rs537318102, gnomAD 0.01%). This variant has not been reported in the literature in individuals affected with LAMA5-related conditions. Algorithms developed to predict the effect of sequence changes on RNA splicing suggest that this variant may disrupt the consensus splice site. In summary, the available evidence is currently insufficient to determine the role of this variant in disease. Therefore, it has been classified as a Variant of Uncertain Significance.